The following is an entry in ClinVar:

NM_030665.4(RAI1):c.1762G>A (p.Val588Met)

Gene: RAI1 (retinoic acid induced 1; plus strand). Cytogenetic location: 17p11.2.
Variant type: single nucleotide variant.
Coding change: c.1762G>A on transcript NM_030665.4 (MANE Select); coding-DNA position 1762, G replaced by A.
Protein change: p.Val588Met; replaces valine 588 with methionine.
Molecular consequence: missense variant.
Genome position (GRCh38, 1-based): chr17:17,794,710, G>A. VCF-style: chr17-17794710-G-A. GRCh37 (hg19) VCF-style: chr17-17698024-G-A.
Other names: c.1762G>A (NM_030665.3); short protein forms V588M.
Identifiers: ClinVar variation 2077295 (VCV002077295.5), dbSNP rs546791674, ClinGen allele CA8418395.

ClinVar aggregate classification (germline): Uncertain significance. Review status: criteria provided, multiple submitters, no conflicts (2 of 4 stars). 2 submissions from 2 submitters: Uncertain significance (2). Last evaluated 2025-12-25.

Conditions:
RAI1-related disorder. Also called: RAI1-related condition.

Allele frequency attached by ClinVar (database versions not stated): TOPMed 0.00001; gnomAD exomes 0.00002; gnomAD 0.00003; ExAC 0.00004; 1000 Genomes Project 30x 0.00016; 1000 Genomes Project 0.00020.
gnomAD v4.1: 29 of 1,611,818 alleles (0.0018%); highest among the groups gnomAD compares: East Asian, 0.013%; no homozygotes.

Submissions (2):

Labcorp Genetics (formerly Invitae), Labcorp
Classification: Uncertain significance. Last evaluated: 2025-12-25. Review status: criteria provided, single submitter. Criteria: Invitae Variant Classification Sherloc (09022015). Collection method: clinical testing. Allele origin: germline.
Comment: This sequence change replaces valine, which is neutral and non-polar, with methionine, which is neutral and non-polar, at codon 588 of the RAI1 protein (p.Val588Met). This variant is present in population databases (rs546791674, gnomAD 0.02%). This variant has not been reported in the literature in individuals affected with RAI1-related conditions. ClinVar contains an entry for this variant (Variation ID: 2077295). Invitae Evidence Modeling of protein sequence and biophysical properties (such as structural, functional, and spatial information, amino acid conservation, physicochemical variation, residue mobility, and thermodynamic stability) indicates that this missense variant is not expected to disrupt RAI1 protein function with a negative predictive value of 80%. In summary, the available evidence is currently insufficient to determine the role of this variant in disease. Therefore, it has been classified as a Variant of Uncertain Significance.

PreventionGenetics, part of Exact Sciences
Classification: Uncertain significance for RAI1-related condition. Last evaluated: 2025-08-28. Review status: criteria provided, single submitter. Criteria: ACMG Guidelines, 2015. Collection method: clinical testing. Allele origin: germline.
Comment: The RAI1 c.1762G>A variant is predicted to result in the amino acid substitution p.Val588Met. To our knowledge, this variant has not been reported in the literature. This variant is reported in 0.022% of alleles in individuals of East Asian descent in gnomAD. Although we suspect that this variant may be benign, at this time, the clinical significance of this variant is uncertain due to the absence of conclusive functional and genetic evidence.